The following is an entry in ClinVar:

NM_015512.5(DNAH1):c.8662G>T (p.Val2888Leu)

Gene: DNAH1 (dynein axonemal heavy chain 1; plus strand). Cytogenetic location: 3p21.1.
Variant type: single nucleotide variant.
Coding change: c.8662G>T on transcript NM_015512.5 (MANE Select); coding-DNA position 8662, G replaced by T.
Protein change: p.Val2888Leu; replaces valine 2888 with leucine.
Molecular consequence: missense variant.
Genome position (GRCh38, 1-based): chr3:52,386,196, G>T. VCF-style: chr3-52386196-G-T. GRCh37 (hg19) VCF-style: chr3-52420212-G-T.
Other names: short protein forms V2888L.
Identifiers: ClinVar variation 572288 (VCV000572288.10), dbSNP rs188851585, ClinGen allele CA2435291.

ClinVar aggregate classification (germline): Uncertain significance. Review status: criteria provided, multiple submitters, no conflicts (2 of 4 stars). 2 submissions from 2 submitters: Uncertain significance (2). Last evaluated 2026-01-01.

Conditions:
Spermatogenic failure 18. Identifiers: MedGen C4539783, MONDO:0054615, OMIM 617576.
Ciliary dyskinesia, primary, 37 (CILD37). Also called: CILIARY DYSKINESIA, PRIMARY, 37, WITH OR WITHOUT SITUS INVERSUS. Identifiers: MedGen C4539798, MONDO:0033204, OMIM 617577.

Allele frequency attached by ClinVar (database versions not stated): gnomAD exomes 0.00007 and 0.00004; ExAC 0.00009; ESP Exome Variant Server 0.00016; gnomAD 0.00023 and 0.00027; TOPMed 0.00027; 1000 Genomes Project 0.00060; 1000 Genomes Project 30x 0.00062.
gnomAD v4.1: 96 of 1,613,836 alleles (0.0059%); highest among the groups gnomAD compares: African/African-American, 0.12%; no homozygotes.

Submissions (2):

CeGaT Center for Human Genetics Tuebingen
Classification: Uncertain significance. Last evaluated: 2026-01-01. Review status: criteria provided, single submitter. Criteria: CeGaT Center For Human Genetics Tuebingen Variant Classification Criteria Version 2. Collection method: clinical testing. Allele origin: germline. Affected: yes. Observed: 1 variant allele.
Comment: DNAH1: PM2

Labcorp Genetics (formerly Invitae), Labcorp
Classification: Uncertain significance for Ciliary dyskinesia, primary, 37; Spermatogenic failure 18. Last evaluated: 2022-07-20. Review status: criteria provided, single submitter. Criteria: Invitae Variant Classification Sherloc (09022015). Collection method: clinical testing. Allele origin: germline.
Comment: This sequence change replaces valine, which is neutral and non-polar, with leucine, which is neutral and non-polar, at codon 2888 of the DNAH1 protein (p.Val2888Leu). This variant is present in population databases (rs188851585, gnomAD 0.08%). This variant has not been reported in the literature in individuals affected with DNAH1-related conditions. ClinVar contains an entry for this variant (Variation ID: 572288). Algorithms developed to predict the effect of missense changes on protein structure and function are either unavailable or do not agree on the potential impact of this missense change (SIFT: "Deleterious"; PolyPhen-2: "Probably Damaging"; Align-GVGD: "Class C0"). In summary, the available evidence is currently insufficient to determine the role of this variant in disease. Therefore, it has been classified as a Variant of Uncertain Significance.